The following is an entry in ClinVar:

ClinVar aggregate classification (germline): Uncertain significance (1 of 4 stars; one submission).

Conditions:
Idiopathic generalized epilepsy. Also called: Generalised epilepsy; EIG. Identifiers: MedGen C0270850, MONDO:0005579, OMIM 600669.
Hyperaldosteronism, familial, type IV (HALD4). Also called: FH IV; ALDOSTERONISM, PRIMARY, AND HYPERTENSION. Identifiers: Orphanet 642671, MedGen C4310756, MONDO:0014875, OMIM 617027.

Allele frequency attached by ClinVar (database versions not stated): TOPMed below 0.00001.

Submission:

Labcorp Genetics (formerly Invitae), Labcorp
Classification: Uncertain significance for Idiopathic generalized epilepsy; Hyperaldosteronism, familial, type IV. Last evaluated: 2021-11-12. Review status: criteria provided, single submitter. Criteria: Invitae Variant Classification Sherloc (09022015). Collection method: clinical testing. Allele origin: germline.
Comment: This sequence change replaces histidine, which is basic and polar, with asparagine, which is neutral and polar, at codon 516 of the CACNA1H protein (p.His516Asn). This variant is not present in population databases (gnomAD no frequency). This variant has not been reported in the literature in individuals affected with CACNA1H-related conditions. Advanced modeling of protein sequence and biophysical properties (such as structural, functional, and spatial information, amino acid conservation, physicochemical variation, residue mobility, and thermodynamic stability) performed at Invitae indicates that this missense variant is not expected to disrupt CACNA1H protein function. In summary, the available evidence is currently insufficient to determine the role of this variant in disease. Therefore, it has been classified as a Variant of Uncertain Significance.

NM_021098.3(CACNA1H):c.1546C>A (p.His516Asn)

Gene: CACNA1H (calcium voltage-gated channel subunit alpha1 H; plus strand). Cytogenetic location: 16p13.3.
Variant type: single nucleotide variant.
Coding change: c.1546C>A on transcript NM_021098.3 (MANE Select); coding-DNA position 1546, C replaced by A.
Protein change: p.His516Asn; replaces histidine 516 with asparagine.
Molecular consequence: missense variant.
Genome position (GRCh38, 1-based): chr16:1,201,996, C>A. VCF-style: chr16-1201996-C-A. GRCh37 (hg19) VCF-style: chr16-1251996-C-A.
Other names: c.1546C>A, p.His516Asn (NM_001005407.2); short protein forms H516N.
Identifiers: ClinVar variation 1487652 (VCV001487652.6), dbSNP rs1057519554, ClinGen allele CA276651138.
Genomic context (GRCh38, chr16:1,201,996, plus strand): 5'-CAAGGCCAGGGTCCCGGGCACCGCCAGCGCCGGGCAGGCAGGCACACAGCCTCGGTGCAC[C>A]ACCTGGTCTACCACCACCATCACCACCACCACCACCACTACCATTTCAGCCATGGCAGCC-3'
Protein context (NP_066921.2, residues 506-526): RAGRHTASVH[His516Asn]LVYHHHHHHH